The following is an entry in ClinVar:

NC_000007.14:g.(?_6005882)_(6006041_?)del

Gene: PMS2 (PMS1 homolog 2, mismatch repair system component; minus strand). Cytogenetic location: 7p22.1.
Variant type: Deletion.
Identifiers: ClinVar variation 583871 (VCV000583871.7).

ClinVar aggregate classification (germline): Pathogenic (1 of 4 stars; one submission).

Conditions:
Hereditary nonpolyposis colorectal neoplasms. Identifiers: MedGen C0009405, MeSH D003123.

Submission:

Labcorp Genetics (formerly Invitae), Labcorp
Classification: Pathogenic for Hereditary nonpolyposis colorectal neoplasms. Last evaluated: 2022-12-30. Review status: criteria provided, single submitter. Criteria: Invitae Variant Classification Sherloc (09022015). Collection method: clinical testing. Allele origin: germline.
Comment: For these reasons, this variant has been classified as Pathogenic. A similar copy number variant has been observed in individual(s) with cecum cancer (PMID: 18602922). This variant is a gross deletion of the genomic region encompassing exon(s) 2 of the PMS2 gene. This deletion is out-of-frame, and is expected to create a premature termination codon and result in an absent or disrupted protein product. Loss-of-function variants in PMS2 are known to be pathogenic (PMID: 21376568, 24362816).

Literature cited by the submitters: PubMed 18602922; PubMed 21376568; PubMed 24362816.